The following is an entry in ClinVar:

ClinVar aggregate classification (germline): Uncertain significance (1 of 4 stars; one submission).

Submission:

GeneDx
Classification: Uncertain significance. Last evaluated: 2019-01-23. Review status: criteria provided, single submitter. Criteria: GeneDx Variant Classification Process June 2021. Collection method: clinical testing. Allele origin: germline. Affected: yes.
Comment: Frameshift variant predicted to result in protein truncation [or nonsense mediated decay] in a gene for which loss-of-function is not a known mechanism of disease

NM_001378964.1(CDON):c.363dup (p.Gly122fs)

Gene: CDON (cell adhesion associated, oncogene regulated; minus strand). Cytogenetic location: 11q24.2.
Variant type: Duplication.
Coding change: c.363dup on transcript NM_001378964.1 (MANE Select); coding-DNA position 363, one base duplicated (T; older notation c.363dupT).
Protein change: p.Gly122fs; shifts the reading frame from glycine 122.
Molecular consequence: frameshift variant.
Genome position (GRCh38, 1-based): chr11:126,019,752, A duplicated on the plus strand (T on the coding strand, the reverse complement: CDON is on the minus strand); the first of 4 consecutive A bases (chr11:126,019,752-126,019,755); duplicating any one gives the same sequence. VCF-style (leftmost placement, unchanged base first): chr11-126019751-C-CA. GRCh37 (hg19) VCF-style: chr11-125889646-C-CA.
Other names: c.363dup (NM_016952.4); c.360dup, p.Gly122Trpfs (NM_001243597.3, NM_016952.6); short protein forms G122fs.
Identifiers: ClinVar variation 1304558 (VCV001304558.2), dbSNP rs2134685110, ClinGen allele CA2573053451.